The following is an entry in ClinVar:

NM_001394998.1(TANC2):c.4715C>T (p.Ala1572Val)

Gene: TANC2 (tetratricopeptide repeat, ankyrin repeat and coiled-coil containing 2; plus strand). Cytogenetic location: 17q23.3.
Variant type: single nucleotide variant.
Coding change: c.4715C>T on transcript NM_001394998.1 (MANE Select); coding-DNA position 4715, C replaced by T.
Protein change: p.Ala1572Val; replaces alanine 1572 with valine.
Molecular consequence: missense variant.
Genome position (GRCh38, 1-based): chr17:63,420,445, C>T. VCF-style: chr17-63420445-C-T. GRCh37 (hg19) VCF-style: chr17-61497806-C-T.
Other names: c.4493C>T, p.Ala1498Val (NM_001411076.1); c.4463C>T, p.Ala1488Val (NM_025185.4); short protein forms A1488V, A1498V, A1572V.
Identifiers: ClinVar variation 2414420 (VCV002414420.6), dbSNP rs1462275959, ClinGen allele CA400542152.
Genomic context (GRCh38, chr17:63,420,445, plus strand): 5'-TCCGGTCCAGTAGTTCTGTAGGCTCTCCCACTAGACAGACCTATCAGTCCACCTCACCTG[C>T]CCTTTCTCCAACTCATCAGAACTCACATTACAGGCCTAGCCCACCACACACTTCCCCGGC-3'
Protein context (NP_001381927.1, residues 1562-1582): TRQTYQSTSP[Ala1572Val]LSPTHQNSHY

ClinVar aggregate classification (germline): Uncertain significance (1 of 4 stars; one submission).

Allele frequency attached by ClinVar (database versions not stated): gnomAD exomes below 0.00001.
gnomAD v4.1: 2 of 1,613,990 alleles (0.00012%); highest among the groups gnomAD compares: Non-Finnish European, 0.00017%; no homozygotes.

Submission:

Labcorp Genetics (formerly Invitae), Labcorp
Classification: Uncertain significance. Last evaluated: 2022-09-22. Review status: criteria provided, single submitter. Criteria: Invitae Variant Classification Sherloc (09022015). Collection method: clinical testing. Allele origin: germline.
Comment: This variant is present in population databases (no rsID available, gnomAD 0.0009%). In summary, the available evidence is currently insufficient to determine the role of this variant in disease. Therefore, it has been classified as a Variant of Uncertain Significance. Algorithms developed to predict the effect of missense changes on protein structure and function are either unavailable or do not agree on the potential impact of this missense change (SIFT: "Deleterious"; PolyPhen-2: "Benign"; Align-GVGD: "Class C0"). This variant has not been reported in the literature in individuals affected with TANC2-related conditions. This sequence change replaces alanine, which is neutral and non-polar, with valine, which is neutral and non-polar, at codon 1488 of the TANC2 protein (p.Ala1488Val).